The following is an entry in ClinVar:

NM_014363.6(SACS):c.4598C>G (p.Ser1533Ter)

Gene: SACS (sacsin molecular chaperone; minus strand). Cytogenetic location: 13q12.12.
Variant type: single nucleotide variant.
Coding change: c.4598C>G on transcript NM_014363.6 (MANE Select); coding-DNA position 4598, C replaced by G.
Protein change: p.Ser1533Ter; replaces serine 1533 with a stop codon.
Molecular consequence: nonsense.
Genome position (GRCh38, 1-based): chr13:23,339,278, G>C on the plus strand (C>G on the coding strand, the complement: SACS is on the minus strand). VCF-style: chr13-23339278-G-C. GRCh37 (hg19) VCF-style: chr13-23913417-G-C.
Other names: c.4157C>G, p.Ser1386Ter (NM_001278055.2); short protein forms S1533*, S1386*.
Identifiers: ClinVar variation 280645 (VCV000280645.2), dbSNP rs886041813, ClinGen allele CA10603344.

ClinVar aggregate classification (germline): Pathogenic (1 of 4 stars; one submission).

gnomAD v4.1: 1 of 1,604,628 alleles (0.000062%); highest among the groups gnomAD compares: South Asian, 0.0011%; no homozygotes.

Submission:

GeneDx
Classification: Pathogenic. Last evaluated: 2016-05-31. Review status: criteria provided, single submitter. Criteria: GeneDx Variant Classification (06012015). Collection method: clinical testing. Allele origin: germline. Affected: yes.
Comment: The S1533X variant in the SACS gene has not been reported previously as a pathogenic variant nor as a benign variant, to our knowledge. This variant is predicted to cause loss of normal protein function through protein truncation. The S1533X variant was not observed in approximately 6500 individuals of European and African American ancestry in the NHLBI Exome Sequencing Project, indicating it is not a common benign variant in these populations. We interpret S1533X as a pathogenic variant.